The following is an entry in ClinVar:

NM_001012339.3(DNAJC21):c.1394T>C (p.Met465Thr)

Gene: DNAJC21 (DnaJ heat shock protein family (Hsp40) member C21; plus strand). Cytogenetic location: 5p13.2.
Variant type: single nucleotide variant.
Coding change: c.1394T>C on transcript NM_001012339.3 (MANE Select); coding-DNA position 1394, T replaced by C.
Protein change: p.Met465Thr; replaces methionine 465 with threonine.
Molecular consequence: missense variant.
Genome position (GRCh38, 1-based): chr5:34,953,961, T>C. VCF-style: chr5-34953961-T-C. GRCh37 (hg19) VCF-style: chr5-34954066-T-C.
Other names: c.1433T>C, p.Met478Thr (NM_001348420.2); c.1529T>C, p.Met510Thr (NM_194283.4); short protein forms M510T, M465T, M478T.
Identifiers: ClinVar variation 1397580 (VCV001397580.5), dbSNP rs200823175, ClinGen allele CA3228842.

ClinVar aggregate classification (germline): Uncertain significance (1 of 4 stars; one submission).

Allele frequency attached by ClinVar (database versions not stated): gnomAD 0.00002 and 0.00003; ExAC 0.00003; 1000 Genomes Project 30x 0.00016; 1000 Genomes Project 0.00020.

Submission:

Labcorp Genetics (formerly Invitae), Labcorp
Classification: Uncertain significance. Last evaluated: 2021-09-24. Review status: criteria provided, single submitter. Criteria: Invitae Variant Classification Sherloc (09022015). Collection method: clinical testing. Allele origin: germline.
Comment: This sequence change replaces methionine with threonine at codon 465 of the DNAJC21 protein (p.Met465Thr). The methionine residue is weakly conserved and there is a moderate physicochemical difference between methionine and threonine. This variant is present in population databases (rs200823175, ExAC 0.03%). This variant has not been reported in the literature in individuals with DNAJC21-related conditions. Algorithms developed to predict the effect of missense changes on protein structure and function output the following: SIFT: "Tolerated"; PolyPhen-2: "Benign"; Align-GVGD: "Class C0". The threonine amino acid residue is found in multiple mammalian species, suggesting that this missense change does not adversely affect protein function. These predictions have not been confirmed by published functional studies and their clinical significance is uncertain. In summary, the available evidence is currently insufficient to determine the role of this variant in disease. Therefore, it has been classified as a Variant of Uncertain Significance.